The following is an entry in ClinVar:

ClinVar aggregate classification (germline): Uncertain significance (1 of 4 stars; one submission).

Conditions:
Catecholaminergic polymorphic ventricular tachycardia (CVPT). Also called: Catecholamine-induced polymorphic ventricular tachycardia. Identifiers: Orphanet 3286, MedGen C5574922, MONDO:0017990.

Allele frequency attached by ClinVar (database versions not stated): ExAC 0.00004.
gnomAD v4.1: 1 of 1,519,446 alleles (0.000066%); no homozygotes.

Submission:

All of Us Research Program, National Institutes of Health
Classification: Uncertain significance for Catecholaminergic polymorphic ventricular tachycardia. Last evaluated: 2023-10-06. Review status: criteria provided, single submitter. Criteria: ACMG Guidelines, 2015. Collection method: clinical testing. Allele origin: germline. Inheritance: Autosomal dominant inheritance. Observed: 1 variant allele, 1 heterozygote.
Comment: This missense variant replaces phenylalanine with leucine at codon 2720 of the RYR2 protein. Computational prediction is inconclusive regarding the impact of this variant on protein structure and function (internally defined REVEL score threshold 0.5 < inconclusive < 0.7, PMID: 27666373). To our knowledge, functional studies have not been reported for this variant. This variant has not been reported in individuals affected with RYR2-related disorders in the literature. This variant has been identified in 1/137522 chromosomes in the general population by the Genome Aggregation Database (gnomAD). The available evidence is insufficient to determine the role of this variant in disease conclusively. Therefore, this variant is classified as a Variant of Uncertain Significance.

This study involves interpretation of variants in research participants for the purpose of population health screening. Participant phenotype was not available at the time of variant classification. Additional details can be found in publication PMID: 35346344, PMCID: PMC8962531

NM_001035.3(RYR2):c.8158T>C (p.Phe2720Leu)

Gene: RYR2 (ryanodine receptor 2; plus strand). Cytogenetic location: 1q43.
Variant type: single nucleotide variant.
Coding change: c.8158T>C on transcript NM_001035.3 (MANE Select); coding-DNA position 8158, T replaced by C.
Protein change: p.Phe2720Leu; replaces phenylalanine 2720 with leucine.
Molecular consequence: missense variant.
Genome position (GRCh38, 1-based): chr1:237,657,972, T>C. VCF-style: chr1-237657972-T-C. GRCh37 (hg19) VCF-style: chr1-237821272-T-C.
Other names: short protein forms F2720L.
Identifiers: ClinVar variation 3073705 (VCV003073705.1), dbSNP rs771861309, ClinGen allele CA087573.